The following is an entry in ClinVar:

ClinVar aggregate classification (germline): Uncertain significance (1 of 4 stars; one submission).

Conditions:
Inborn genetic diseases. Identifiers: MedGen C0950123, MeSH D030342.

Allele frequency attached by ClinVar (database versions not stated): ExAC 0.00001; gnomAD exomes below 0.00001.

Submission:

Ambry Genetics
Classification: Uncertain significance for Inborn genetic diseases. Last evaluated: 2025-11-14. Review status: criteria provided, single submitter. Criteria: Ambry Variant Classification Scheme 2023. Collection method: clinical testing. Allele origin: germline.
Comment: The p.E1083K variant (also known as c.3247G>A), located in coding exon 4 of the NSD1 gene, results from a G to A substitution at nucleotide position 3247. The glutamic acid at codon 1083 is replaced by lysine, an amino acid with similar properties. This amino acid position is not well conserved in available vertebrate species. In addition, this alteration is predicted to be tolerated by in silico analysis. Since supporting evidence is limited at this time, the clinical significance of this alteration remains unclear.

NM_022455.5(NSD1):c.3247G>A (p.Glu1083Lys)

Gene: NSD1 (nuclear receptor binding SET domain protein 1; plus strand). Cytogenetic location: 5q35.3.
Variant type: single nucleotide variant.
Coding change: c.3247G>A on transcript NM_022455.5 (MANE Select); coding-DNA position 3247, G replaced by A.
Protein change: p.Glu1083Lys; replaces glutamic acid 1083 with lysine.
Molecular consequence: missense variant.
Genome position (GRCh38, 1-based): chr5:177,211,646, G>A. VCF-style: chr5-177211646-G-A. GRCh37 (hg19) VCF-style: chr5-176638647-G-A.
Other names: c.2374G>A, p.Glu792Lys (NM_001365684.2, NM_001409306.1, NM_001409307.1 and 3 more transcripts); c.3247G>A, p.Glu1083Lys (NM_001409301.1, NM_001409302.1, NM_001409303.1); c.2827G>A, p.Glu943Lys (NM_001409304.1); c.2494G>A, p.Glu832Lys (NM_001409305.1); short protein forms E792K, E943K, E1083K, E814K, E832K.
Identifiers: ClinVar variation 1729358 (VCV001729358.3), dbSNP rs759871101, ClinGen allele CA3577406.